The following is an entry in ClinVar:

NM_001035.3(RYR2):c.5274G>C (p.Arg1758Ser)

Gene: RYR2 (ryanodine receptor 2; plus strand). Cytogenetic location: 1q43.
Variant type: single nucleotide variant.
Coding change: c.5274G>C on transcript NM_001035.3 (MANE Select); coding-DNA position 5274, G replaced by C.
Protein change: p.Arg1758Ser; replaces arginine 1758 with serine.
Molecular consequence: missense variant.
Genome position (GRCh38, 1-based): chr1:237,614,402, G>C. VCF-style: chr1-237614402-G-C. GRCh37 (hg19) VCF-style: chr1-237777702-G-C.
Other names: short protein forms R1758S.
Identifiers: ClinVar variation 4687067 (VCV004687067.1).

ClinVar aggregate classification (germline): Uncertain significance (1 of 4 stars; one submission).

Submission:

GeneDx
Classification: Uncertain significance. Last evaluated: 2025-07-24. Review status: criteria provided, single submitter. Criteria: GeneDx Variant Classification Process June 2021. Collection method: clinical testing. Allele origin: germline. Affected: yes.
Comment: Not observed at significant frequency in large population cohorts (gnomAD); In silico analysis supports that this missense variant has a deleterious effect on protein structure/function; Has not been previously published as pathogenic or benign to our knowledge